The following is an entry in ClinVar:

ClinVar aggregate classification (germline): Likely benign. Review status: criteria provided, multiple submitters, no conflicts (2 of 4 stars). 4 submissions from 4 submitters: Likely benign (3). 1 of the submissions does not count toward it. Last evaluated 2025-12-01.

Conditions:
Duchenne muscular dystrophy (DMD). Also called: MUSCULAR DYSTROPHY, PSEUDOHYPERTROPHIC PROGRESSIVE, DUCHENNE TYPE; Duchenne Muscular Dystrophy (DMD). Identifiers: Orphanet 98896, MedGen C0013264, MONDO:0010679, OMIM 310200.
Cardiovascular phenotype. Identifiers: MedGen CN230736.
Cardiomyopathy (CMYO). Also called: Cardiomyopathies. Identifiers: Orphanet 167848, MedGen C0878544, MONDO:0004994, HP:0001638. Inheritance: Various modes of inheritance.
Becker muscular dystrophy (BMD). Also called: MUSCULAR DYSTROPHY, PSEUDOHYPERTROPHIC PROGRESSIVE, BECKER TYPE; Becker Muscular Dystrophy (BMD). Identifiers: Orphanet 98895, MedGen C0917713, MONDO:0010311, OMIM 300376.
Dystrophin deficiency.

gnomAD v4.1: 17 of 1,209,765 alleles (0.0014%); highest among the groups gnomAD compares: Non-Finnish European, 0.0019%; no homozygotes.

Submissions (4):

Labcorp Genetics (formerly Invitae), Labcorp
Classification: Likely benign for Duchenne muscular dystrophy. Last evaluated: 2025-12-01. Review status: criteria provided, single submitter. Criteria: Invitae Variant Classification Sherloc (09022015). Collection method: clinical testing. Allele origin: germline.

Ambry Genetics
Classification: Likely benign for Cardiovascular phenotype. Last evaluated: 2024-01-01. Review status: criteria provided, single submitter. Criteria: Ambry Variant Classification Scheme 2023. Collection method: clinical testing. Allele origin: germline.

GeneDx
Classification: Likely benign. Last evaluated: 2017-03-22. Review status: criteria provided, single submitter. Criteria: GeneDx Variant Classification (06012015). Collection method: clinical testing. Allele origin: germline. Affected: yes.
Comment: This variant is considered likely benign or benign based on one or more of the following criteria: it is a conservative change, it occurs at a poorly conserved position in the protein, it is predicted to be benign by multiple in silico algorithms, and/or has population frequency not consistent with disease.

Natera, Inc.
Classification: Likely benign for Becker muscular dystrophy; Cardiomyopathy; Duchenne muscular dystrophy; Dystrophin deficiency. Last evaluated: 2020-10-30. Review status: no assertion criteria provided. Collection method: clinical testing. Allele origin: germline. Not counted in ClinVar's aggregate classification.

NM_004006.3(DMD):c.2667A>G (p.Arg889=)

Gene: DMD (dystrophin; minus strand). Cytogenetic location: Xp21.1.
Variant type: single nucleotide variant.
Coding change: c.2667A>G on transcript NM_004006.3 (MANE Select); coding-DNA position 2667, A replaced by G.
Protein change: p.Arg889=; no amino-acid change (arginine 889 retained).
Molecular consequence: synonymous variant.
Genome position (GRCh38, 1-based): chrX:32,485,055, T>C on the plus strand (A>G on the coding strand, the complement: DMD is on the minus strand). VCF-style: chrX-32485055-T-C. GRCh37 (hg19) VCF-style: chrX-32503172-T-C.
Other names: c.2643A>G, p.Arg881= (NM_000109.4); c.2655A>G, p.Arg885= (NM_004009.3); c.2298A>G, p.Arg766= (NM_004010.3).
Identifiers: ClinVar variation 508328 (VCV000508328.12), dbSNP rs759593799, ClinGen allele CA515718534.